The following is an entry in ClinVar:

NM_031885.5(BBS2):c.910C>T (p.Gln304Ter)

Gene: BBS2 (Bardet-Biedl syndrome 2; minus strand). Cytogenetic location: 16q13.
Variant type: single nucleotide variant.
Coding change: c.910C>T on transcript NM_031885.5 (MANE Select); coding-DNA position 910, C replaced by T.
Protein change: p.Gln304Ter; replaces glutamine 304 with a stop codon.
Molecular consequence: nonsense. On other transcripts: non-coding transcript variant (5).
Genome position (GRCh38, 1-based): chr16:56,502,703, G>A on the plus strand (C>T on the coding strand, the complement: BBS2 is on the minus strand). VCF-style: chr16-56502703-G-A. GRCh37 (hg19) VCF-style: chr16-56536615-G-A.
Other names: c.910C>T, p.Gln304Ter (NM_001377456.1); short protein forms Q304*.
Identifiers: ClinVar variation 4983676 (VCV004983676.1).

ClinVar aggregate classification (germline): Likely pathogenic (1 of 4 stars; one submission).

Conditions:
BBS2-related disorder. Also called: BBS2-related disorders; BBS2-related condition. Identifiers: MedGen CN239228.

Submission:

PreventionGenetics, part of Exact Sciences
Classification: Likely pathogenic for BBS2-related condition. Last evaluated: 2026-02-03. Review status: criteria provided, single submitter. Criteria: ACMG Guidelines, 2015. Collection method: clinical testing. Allele origin: germline.
Comment: The BBS2 c.910C>T variant is predicted to result in premature protein termination (p.Gln304*). To our knowledge, this variant has not been reported in the literature or in a large population database (gnomAD), indicating this variant is rare. Nonsense variants in BBS2 are expected to be pathogenic. This variant is interpreted as likely pathogenic.